The following is an entry in ClinVar:

NM_004519.4(KCNQ3):c.63_71dup (p.Gly22_Gly24dup)

Gene: KCNQ3 (potassium voltage-gated channel subfamily Q member 3; minus strand). Cytogenetic location: 8q24.22.
Variant type: Duplication.
Coding change: c.63_71dup on transcript NM_004519.4 (MANE Select); coding-DNA positions 63 to 71, 9 bases duplicated (AGGCGGCGG; older notation c.63_71dupAGGCGGCGG).
Protein change: p.Gly22_Gly24dup.
Molecular consequence: inframe insertion.
Genome position (GRCh38, 1-based): chr8:132,480,462-132,480,470, CCGCCGCCT duplicated on the plus strand (AGGCGGCGG on the coding strand, the reverse complement: KCNQ3 is on the minus strand); duplicating any 9 consecutive bases within chr8:132,480,462-132,480,478 gives the same sequence; the c. name uses the placement nearest the transcript's 3' end. VCF-style (leftmost placement, unchanged base first): chr8-132480461-C-CCCGCCGCCT. GRCh37 (hg19) VCF-style: chr8-133492708-C-CCCGCCGCCT.
Identifiers: ClinVar variation 206001 (VCV000206001.8), dbSNP rs748459358, ClinGen allele CA315666.

ClinVar aggregate classification (germline): Uncertain significance. Review status: criteria provided, multiple submitters, no conflicts (2 of 4 stars). 2 submissions from 2 submitters: Uncertain significance (2). Last evaluated 2025-02-24.

Conditions:
Benign neonatal seizures. Also called: Benign familial neonatal seizures; Benign neonatal familial convulsions; Convulsions benign familial neonatal dominant form; Autosomal dominant form of benign neonatal seizures; Benign familial neonatal epilepsy. Identifiers: Orphanet 1949, MedGen C0220669, MONDO:0016027.

Submissions (2):

Labcorp Genetics (formerly Invitae), Labcorp
Classification: Uncertain significance for Benign neonatal seizures. Last evaluated: 2025-02-24. Review status: criteria provided, single submitter. Criteria: Invitae Variant Classification Sherloc (09022015). Collection method: clinical testing. Allele origin: germline.
Comment: This variant, c.63_71dup, results in the insertion of 3 amino acid(s) of the KCNQ3 protein (p.Gly22_Gly24dup), but otherwise preserves the integrity of the reading frame. This variant is not present in population databases (gnomAD no frequency). This variant has not been reported in the literature in individuals affected with KCNQ3-related conditions. ClinVar contains an entry for this variant (Variation ID: 206001). Experimental studies and prediction algorithms are not available or were not evaluated, and the functional significance of this variant is currently unknown. In summary, the available evidence is currently insufficient to determine the role of this variant in disease. Therefore, it has been classified as a Variant of Uncertain Significance.

GeneDx
Classification: Uncertain significance. Last evaluated: 2013-06-24. Review status: criteria provided, single submitter. Criteria: GeneDx Variant Classification (06012015). Collection method: clinical testing. Allele origin: germline. Affected: yes.
Comment: p.Gly22_Gly24dup (G22_G24dup) in exon 1 of the KCNQ3 gene (NM_004519.2) The c.63_71dupAGGCGGCGG substitution has not been published as a mutation, nor has it been reported as a benign polymorphism to our knowledge. It results in an in-frame duplication of three amino acids in a poorly conserved region of the protein where the number of Glycine residues is known to vary through evolution. Therefore, based on the currently available information, it is unclear whether c.63_71dupAGGCGGCGG is a disease-causing mutation or a rare benign variant. The variant is found in INFANT-EPI panel(s).